The following is an entry in ClinVar:

NM_000440.3(PDE6A):c.84C>T (p.Tyr28=)

Gene: PDE6A (phosphodiesterase 6A; minus strand). Cytogenetic location: 5q32.
Variant type: single nucleotide variant.
Coding change: c.84C>T on transcript NM_000440.3 (MANE Select); coding-DNA position 84, C replaced by T.
Protein change: p.Tyr28=; no amino-acid change (tyrosine 28 retained).
Molecular consequence: synonymous variant.
Genome position (GRCh38, 1-based): chr5:149,944,590, G>A on the plus strand (C>T on the coding strand, the complement: PDE6A is on the minus strand). VCF-style: chr5-149944590-G-A. GRCh37 (hg19) VCF-style: chr5-149324153-G-A.
Identifiers: ClinVar variation 352008 (VCV000352008.28), dbSNP rs34230349, ClinGen allele CA3505150.

ClinVar aggregate classification (germline): Benign/Likely benign. Review status: criteria provided, multiple submitters, no conflicts (2 of 4 stars). 5 submissions from 5 submitters: Benign (3); Likely benign (2). Last evaluated 2026-01-26.

Conditions:
Retinitis pigmentosa (RP). Identifiers: Orphanet 791, MedGen C0035334, MeSH D012174, MONDO:0019200, OMIM 268000. Inheritance: Autosomal dominant, autosomal recessive and X linked inheritance.
Retinitis pigmentosa 43 (RP43). Identifiers: Orphanet 791, MedGen C3151139, MONDO:0013437, OMIM 613810.

Allele frequency attached by ClinVar (database versions not stated): ExAC 0.00541; gnomAD 0.01404 and 0.01488; ESP Exome Variant Server 0.01538; TOPMed 0.01595; 1000 Genomes Project 0.01677; 1000 Genomes Project 30x 0.01765.
gnomAD v4.1: 4,742 of 1,614,034 alleles (0.29%); highest among the groups gnomAD compares: African/African-American, 4.6%; 92 homozygotes.

Submissions (5):

Labcorp Genetics (formerly Invitae), Labcorp
Classification: Benign. Last evaluated: 2026-01-26. Review status: criteria provided, single submitter. Criteria: Invitae Variant Classification Sherloc (09022015). Collection method: clinical testing. Allele origin: germline.

ARUP Laboratories, Molecular Genetics and Genomics, ARUP Laboratories
Classification: Benign for Retinitis pigmentosa 43. Last evaluated: 2022-04-06. Review status: criteria provided, single submitter. Criteria: ARUP Molecular Germline Variant Investigation Process 2021. Collection method: clinical testing. Allele origin: germline.

Illumina Laboratory Services, Illumina
Classification: Likely benign for Retinitis pigmentosa. Last evaluated: 2018-01-12. Review status: criteria provided, single submitter. Criteria: ICSL Variant Classification Criteria 13 December 2019. Collection method: clinical testing. Allele origin: germline.
Comment: This variant was observed in the ICSL laboratory as part of a predisposition screen in an ostensibly healthy population. It had not been previously curated by ICSL or reported in the Human Gene Mutation Database (HGMD: prior to June 1st, 2018), and was therefore a candidate for classification through an automated scoring system. Utilizing variant allele frequency, disease prevalence and penetrance estimates, and inheritance mode, an automated score was calculated to assess if this variant is too frequent to cause the disease. Based on the score and internal cut-off values, a variant classified as likely benign is not then subjected to further curation. The score for this variant resulted in a classification of likely benign for this disease.

GeneDx
Classification: Benign. Last evaluated: 2015-03-03. Review status: criteria provided, single submitter. Criteria: GeneDx Variant Classification Process June 2021. Collection method: clinical testing. Allele origin: germline. Affected: yes.

Breakthrough Genomics
Classification: Likely benign. Review status: criteria provided, single submitter. Criteria: ACMG Guidelines, 2015. Collection method: not provided. Allele origin: germline. Inheritance: Unknown mechanism. Affected: yes.